The following is an entry in ClinVar:

ClinVar aggregate classification (germline): Uncertain significance (1 of 4 stars; one submission).

Conditions:
Autoimmune lymphoproliferative syndrome type 2B. Also called: AUTOIMMUNE LYMPHOPROLIFERATIVE SYNDROME, TYPE IIB. Identifiers: Orphanet 275517, MedGen C1846545, MONDO:0011804, OMIM 607271.

Submission:

Labcorp Genetics (formerly Invitae), Labcorp
Classification: Uncertain significance for Autoimmune lymphoproliferative syndrome type 2B. Last evaluated: 2023-06-19. Review status: criteria provided, single submitter. Criteria: Invitae Variant Classification Sherloc (09022015). Collection method: clinical testing. Allele origin: germline.
Comment: This sequence change replaces threonine, which is neutral and polar, with serine, which is neutral and polar, at codon 288 of the CASP8 protein (p.Thr288Ser). In summary, the available evidence is currently insufficient to determine the role of this variant in disease. Therefore, it has been classified as a Variant of Uncertain Significance. Advanced modeling of protein sequence and biophysical properties (such as structural, functional, and spatial information, amino acid conservation, physicochemical variation, residue mobility, and thermodynamic stability) performed at Invitae indicates that this missense variant is not expected to disrupt CASP8 protein function. ClinVar contains an entry for this variant (Variation ID: 465170). This variant has not been reported in the literature in individuals affected with CASP8-related conditions. This variant is not present in population databases (gnomAD no frequency).

NM_001372051.1(CASP8):c.812C>G (p.Thr271Ser)

Gene: CASP8 (caspase 8; plus strand). Cytogenetic location: 2q33.1.
Variant type: single nucleotide variant.
Coding change: c.812C>G on transcript NM_001372051.1 (MANE Select); coding-DNA position 812, C replaced by G.
Protein change: p.Thr271Ser; replaces threonine 271 with serine.
Molecular consequence: missense variant. On other transcripts: non-coding transcript variant (22), intron variant (1).
Genome position (GRCh38, 1-based): chr2:201,284,825, C>G. VCF-style: chr2-201284825-C-G. GRCh37 (hg19) VCF-style: chr2-202149548-C-G.
Other names: c.767C>G, p.Thr256Ser (NM_001080124.2, NM_001400658.1, NM_001400659.1 and 5 more transcripts); c.989C>G, p.Thr330Ser (NM_001080125.2); c.863C>G, p.Thr288Ser (NM_001228.5); c.944C>G, p.Thr315Ser (NM_001400642.1); c.845C>G, p.Thr282Ser (NM_001400645.1); c.812C>G, p.Thr271Ser (NM_001400648.1, NM_001400651.1, NM_001400653.1 and 5 more transcripts); c.743C>G, p.Thr248Ser (NM_001400664.1); c.737C>G, p.Thr246Ser (NM_001400665.1); and 7 more; short protein forms T288S, T271S, T330S, T256S, T168S, T187S, T202S, T246S.
Identifiers: ClinVar variation 465170 (VCV000465170.9), dbSNP rs1553607264, ClinGen allele CA350298324.